The following is an entry in ClinVar:

ClinVar aggregate classification (germline): Uncertain significance (1 of 4 stars; one submission).

Conditions:
Hereditary cancer-predisposing syndrome. Also called: Tumor predisposition; Hereditary neoplastic syndrome; Neoplastic Syndromes, Hereditary; Hereditary Cancer Syndrome. Identifiers: Orphanet 140162, MedGen C0027672, MeSH D009386, MONDO:0015356.

Submission:

Ambry Genetics
Classification: Uncertain significance for Hereditary cancer-predisposing syndrome. Last evaluated: 2018-05-10. Review status: criteria provided, single submitter. Criteria: Ambry Variant Classification Scheme 2023. Collection method: clinical testing. Allele origin: germline.
Comment: The p.C444S variant (also known as c.1331G>C), located in coding exon 9 of the BMPR1A gene, results from a G to C substitution at nucleotide position 1331. The cysteine at codon 444 is replaced by serine, an amino acid with dissimilar properties. This amino acid position is highly conserved in available vertebrate species. In addition, this alteration is predicted to be deleterious by in silico analysis. Since supporting evidence is limited at this time, the clinical significance of this alteration remains unclear.

NM_004329.3(BMPR1A):c.1331G>C (p.Cys444Ser)

Gene: BMPR1A (bone morphogenetic protein receptor type 1A; plus strand). Cytogenetic location: 10q23.2.
Variant type: single nucleotide variant.
Coding change: c.1331G>C on transcript NM_004329.3 (MANE Select); coding-DNA position 1331, G replaced by C.
Protein change: p.Cys444Ser; replaces cysteine 444 with serine.
Molecular consequence: missense variant.
Genome position (GRCh38, 1-based): chr10:86,921,684, G>C. VCF-style: chr10-86921684-G-C. GRCh37 (hg19) VCF-style: chr10-88681441-G-C.
Other names: short protein forms C444S.
Identifiers: ClinVar variation 818964 (VCV000818964.4), dbSNP rs1589292734, ClinGen allele CA377462430.